The following is an entry in ClinVar:

ClinVar aggregate classification (germline): Pathogenic/Likely pathogenic. Review status: criteria provided, multiple submitters, no conflicts (2 of 4 stars). 2 submissions from 2 submitters: Pathogenic (1); Likely pathogenic (1). Last evaluated 2024-03-14.

Conditions:
Hereditary spastic paraplegia 11. Also called: SPASTIC PARAPLEGIA, AUTOSOMAL RECESSIVE, COMPLICATED, WITH THIN CORPUS CALLOSUM; SPASTIC PARAPLEGIA, AUTOSOMAL RECESSIVE, WITH MENTAL IMPAIRMENT AND THIN CORPUS CALLOSUM; Spastic Paraplegia 11; Nakamura Osame syndrome; Autosomal recessive hereditary spastic paraplegia, mental impairment, and thin corpus callosum; Spastic paraplegia, mental retardation and thin corpus callosum. Identifiers: Orphanet 2822, MedGen C1858479, MONDO:0011445, OMIM 604360.
Charcot-Marie-Tooth disease axonal type 2X. Also called: CHARCOT-MARIE-TOOTH DISEASE, AXONAL, AUTOSOMAL RECESSIVE, TYPE 2X; CHARCOT-MARIE-TOOTH NEUROPATHY, TYPE 2X. Identifiers: Orphanet 466775, MedGen C5569024, MONDO:0014726, OMIM 616668.
Amyotrophic lateral sclerosis type 5 (ALS5). Also called: AMYOTROPHIC LATERAL SCLEROSIS 5, JUVENILE. Identifiers: Orphanet 300605, MedGen C1865864, MONDO:0011196, OMIM 602099.

gnomAD v4.1: 2 of 1,614,082 alleles (0.00012%); highest among the groups gnomAD compares: Non-Finnish European, 0.00017%; no homozygotes.

Submissions (2):

Labcorp Genetics (formerly Invitae), Labcorp
Classification: Pathogenic for Hereditary spastic paraplegia 11. Last evaluated: 2024-03-14. Review status: criteria provided, single submitter. Criteria: Invitae Variant Classification Sherloc (09022015). Collection method: clinical testing. Allele origin: germline.
Comment: This sequence change creates a premature translational stop signal (p.Gln2091*) in the SPG11 gene. It is expected to result in an absent or disrupted protein product. Loss-of-function variants in SPG11 are known to be pathogenic (PMID: 19105190, 20110243, 22154821, 26556829). This variant is not present in population databases (gnomAD no frequency). This premature translational stop signal has been observed in individual(s) with clinical features of SPG11-related conditions (PMID: 34153142). Algorithms developed to predict the effect of sequence changes on RNA splicing suggest that this variant may disrupt the consensus splice site. For these reasons, this variant has been classified as Pathogenic.

Fulgent Genetics
Classification: Likely pathogenic for Amyotrophic lateral sclerosis type 5; Hereditary spastic paraplegia 11; Charcot-Marie-Tooth disease axonal type 2X. Last evaluated: 2024-01-25. Review status: criteria provided, single submitter. Criteria: ACMG Guidelines, 2015. Collection method: clinical testing. Allele origin: germline.

Literature cited by the submitters: PubMed 19105190 (cited by Labcorp Genetics (formerly Invitae), Labcorp); PubMed 20110243 (cited by Labcorp Genetics (formerly Invitae), Labcorp); PubMed 22154821 (cited by Labcorp Genetics (formerly Invitae), Labcorp); PubMed 26556829 (cited by Labcorp Genetics (formerly Invitae), Labcorp); PubMed 34153142 (cited by Labcorp Genetics (formerly Invitae), Labcorp).

NM_025137.4(SPG11):c.6271C>T (p.Gln2091Ter)

Gene: SPG11 (SPG11 vesicle trafficking associated, spatacsin; minus strand). Cytogenetic location: 15q21.1.
Variant type: single nucleotide variant.
Coding change: c.6271C>T on transcript NM_025137.4 (MANE Select); coding-DNA position 6271, C replaced by T.
Protein change: p.Gln2091Ter; replaces glutamine 2091 with a stop codon.
Molecular consequence: nonsense.
Genome position (GRCh38, 1-based): chr15:44,572,755, G>A on the plus strand (C>T on the coding strand, the complement: SPG11 is on the minus strand). VCF-style: chr15-44572755-G-A. GRCh37 (hg19) VCF-style: chr15-44864953-G-A.
Other names: c.5932C>T, p.Gln1978Ter (NM_001160227.2); c.6127C>T, p.Gln2043Ter (NM_001411132.1); short protein forms Q1978*, Q2043*, Q2091*.
Identifiers: ClinVar variation 3577141 (VCV003577141.3).